The following is an entry in ClinVar:

NM_014795.4(ZEB2):c.2757del (p.Leu920fs)

Gene: ZEB2 (zinc finger E-box binding homeobox 2; minus strand). Cytogenetic location: 2q22.3.
Variant type: Deletion.
Coding change: c.2757del on transcript NM_014795.4 (MANE Select); coding-DNA position 2757, one base deleted (G; older notation c.2757delG).
Protein change: p.Leu920fs; shifts the reading frame from leucine 920.
Molecular consequence: frameshift variant.
Genome position (GRCh38, 1-based): chr2:144,398,430, C deleted on the plus strand (G on the coding strand, the reverse complement: ZEB2 is on the minus strand); the first of 3 consecutive C bases (chr2:144,398,430-144,398,432); deleting any one gives the same sequence. VCF-style (leftmost placement, unchanged base first): chr2-144398429-GC-G. GRCh37 (hg19) VCF-style: chr2-145155996-GC-G.
Other names: c.2685del, p.Leu896fs (NM_001171653.2); short protein forms L896fs, L920fs.
Identifiers: ClinVar variation 561145 (VCV000561145.2), dbSNP rs1560605892, ClinGen allele CA658822384.

ClinVar aggregate classification (germline): Pathogenic (1 of 4 stars; one submission).

Conditions:
Mowat-Wilson syndrome (MOWS). Also called: Classic Mowat-Wilson Syndrome. Identifiers: Orphanet 2152, MedGen C1856113, MONDO:0009341, OMIM 235730.

Submission:

Baylor Genetics
Classification: Pathogenic for Mowat-Wilson syndrome. Last evaluated: 2017-09-01. Review status: criteria provided, single submitter. Criteria: ACMG Guidelines, 2015. Collection method: clinical testing. Allele origin: de novo. Inheritance: Autosomal dominant inheritance. Affected: yes.

Literature cited by the submitters: PubMed 25326635.